The following is an entry in ClinVar:

NM_198578.4(LRRK2):c.1619A>C (p.Asn540Thr)

Gene: LRRK2 (leucine rich repeat kinase 2; plus strand). Cytogenetic location: 12q12.
Variant type: single nucleotide variant.
Coding change: c.1619A>C on transcript NM_198578.4 (MANE Select); coding-DNA position 1619, A replaced by C.
Protein change: p.Asn540Thr; replaces asparagine 540 with threonine.
Molecular consequence: missense variant.
Genome position (GRCh38, 1-based): chr12:40,263,864, A>C. VCF-style: chr12-40263864-A-C. GRCh37 (hg19) VCF-style: chr12-40657666-A-C.
Other names: short protein forms N540T.
Identifiers: ClinVar variation 5020813 (VCV005020813.1).
Genomic context (GRCh38, chr12:40,263,864, plus strand): 5'-CCAGGGAGGATACAGAATTTCATCATAAGCTAAATATGGTTAAAAAACAGTGTTTCAAGA[A>C]TGATATTCACAAACTGGTCCTAGCAGCTTTGAACAGGGTATGTTGAATATAAGTTTTCTG-3'
Protein context (NP_940980.4, residues 530-550): LNMVKKQCFK[Asn540Thr]DIHKLVLAAL

ClinVar aggregate classification (germline): Uncertain significance (1 of 4 stars; one submission).

Submission:

Dasa
Classification: Uncertain significance. Last evaluated: 2025-10-31. Review status: criteria provided, single submitter. Criteria: DASA Assertion Criteria. Collection method: clinical testing. Allele origin: germline.
Comment: NM_198578.4(LRRK2):c.1619A>C (p.Asn540Thr) is a missense variant that results in the substitution of asparagine with threonine. This variant is absent from population databases. Computational prediction algorithms are consistent with a benign effect. The currently available literature and clinical evidence are not sufficient to establish a definitive association between this variant and the reported condition. Therefore, this variant is classified as a variant of uncertain significance.